The following is an entry in ClinVar:

ClinVar aggregate classification (germline): Likely benign. Review status: criteria provided, multiple submitters, no conflicts (2 of 4 stars). 3 submissions from 3 submitters: Likely benign (3). Last evaluated 2025-05-05.

Conditions:
Birt-Hogg-Dube syndrome. Also called: Birt Hogg Dubé syndrome. Identifiers: Orphanet 122, MedGen C0346010, MONDO:0800444.
17p11.2 microduplication syndrome (PTLS). Also called: CHROMOSOME 17p11.2 DUPLICATION SYNDROME; Potocki-Lupski syndrome; Duplication 17p11.2 syndrome; Potocki-Lupski syndrome (dup(17)(p11.2p11.2)). Identifiers: Orphanet 1713, MedGen C2931246, MONDO:0012574, OMIM 610883.
Nonpapillary renal cell carcinoma. Identifiers: Orphanet 422526, MedGen CN074294, MONDO:0007763, OMIM 144700.
Familial spontaneous pneumothorax (PSP). Identifiers: Orphanet 2903, MedGen C1868193, MONDO:0008259, OMIM 173600.
Colorectal cancer. Also called: Malignant Colorectal Neoplasm; Colorectal cancer, somatic. Identifiers: MedGen C0346629, MONDO:0005575, OMIM 114500.
Birt-Hogg-Dube syndrome 1 (BHD1). Also called: FIBROFOLLICULOMAS WITH TRICHODISCOMAS AND ACROCHORDONS. Identifiers: Orphanet 122, MedGen CN375946, MONDO:0800445, OMIM 135150.

Allele frequency attached by ClinVar (database versions not stated): gnomAD exomes below 0.00001; gnomAD 0.00001; TOPMed 0.00002; ESP Exome Variant Server 0.00008.
gnomAD v4.1: 5 of 1,613,792 alleles (0.00031%); highest among the groups gnomAD compares: African/African-American, 0.004%; no homozygotes.

Submissions (3):

Labcorp Genetics (formerly Invitae), Labcorp
Classification: Likely benign for Birt-Hogg-Dube syndrome. Last evaluated: 2025-05-05. Review status: criteria provided, single submitter. Criteria: Invitae Variant Classification Sherloc (09022015). Collection method: clinical testing. Allele origin: germline.

Myriad Genetics, Inc.
Classification: Likely benign for Birt-Hogg-Dube syndrome 1. Last evaluated: 2024-10-28. Review status: criteria provided, single submitter. Criteria: Myriad Autosomal Dominant, Autosomal Recessive and X-Linked Classification Criteria (2023). Collection method: clinical testing. Allele origin: unknown.
Comment: This variant is considered likely benign. This variant is intronic and is not expected to impact mRNA splicing.

Fulgent Genetics
Classification: Likely benign for Colorectal cancer; Birt-Hogg-Dube syndrome 1; Nonpapillary renal cell carcinoma; Familial spontaneous pneumothorax; 17p11.2 microduplication syndrome. Last evaluated: 2021-09-06. Review status: criteria provided, single submitter. Criteria: ACMG Guidelines, 2015. Collection method: clinical testing. Allele origin: unknown.

NM_144997.7(FLCN):c.1539-11G>C

Gene: FLCN (folliculin; minus strand). Cytogenetic location: 17p11.2.
Variant type: single nucleotide variant.
Coding change: c.1539-11G>C on transcript NM_144997.7 (MANE Select); 11 bases into the intron before coding-DNA position 1539, G replaced by C.
Molecular consequence: intron variant.
Genome position (GRCh38, 1-based): chr17:17,213,867, C>G on the plus strand (G>C on the coding strand, the complement: FLCN is on the minus strand). VCF-style: chr17-17213867-C-G. GRCh37 (hg19) VCF-style: chr17-17117181-C-G.
Other names: c.1539-11G>C (NM_001353231.2, NM_001353230.2); c.1593-11G>C (NM_001353229.2).
Identifiers: ClinVar variation 1596818 (VCV001596818.16), dbSNP rs368472222, ClinGen allele CA288303771.